The following is an entry in ClinVar:

NM_000059.4(BRCA2):c.9176A>G (p.Lys3059Arg)

Gene: BRCA2 (BRCA2 DNA repair associated; plus strand). Cytogenetic location: 13q13.1.
Variant type: single nucleotide variant.
Coding change: c.9176A>G on transcript NM_000059.4 (MANE Select); coding-DNA position 9176, A replaced by G.
Protein change: p.Lys3059Arg; replaces lysine 3059 with arginine.
Molecular consequence: missense variant.
Genome position (GRCh38, 1-based): chr13:32,380,065, A>G. VCF-style: chr13-32380065-A-G. GRCh37 (hg19) VCF-style: chr13-32954202-A-G.
Other names: short protein forms K3059R.
Identifiers: ClinVar variation 1001380 (VCV001001380.9), dbSNP rs2072913486, ClinGen allele CA387758027.
Genomic context (GRCh38, chr13:32,380,065, plus strand): 5'-AGGTTTCAGATGAAATTTTATTTCAGATTTACCAGCCACGGGAGCCCCTTCACTTCAGCA[A>G]ATTTTTAGATCCAGACTTTCAGCCATCTTGTTCTGAGGTGGACCTAATAGGATTTGTCGT-3'
Protein context (NP_000050.3, residues 3049-3069): YQPREPLHFS[Lys3059Arg]FLDPDFQPSC

ClinVar aggregate classification (germline): Uncertain significance (1 of 4 stars; one submission).

Conditions:
Hereditary breast ovarian cancer syndrome. Also called: Hereditary breast and ovarian cancer syndrome; Hereditary breast and/or ovarian cancer syndrome; Hereditary breast and ovarian cancer syndrome (HBOC); Breast and ovarian cancer; BRCA1- and BRCA2-Associated Hereditary Breast and Ovarian Cancer; Hereditary breast and ovarian cancer. Identifiers: Orphanet 145, MedGen C0677776, MeSH D061325, MONDO:0003582. Disease mechanism: loss of function.

Allele frequency attached by ClinVar (database versions not stated): gnomAD 0.00001.
gnomAD v4.1: 1 of 1,613,998 alleles (0.000062%); highest among the groups gnomAD compares: African/African-American, 0.0013%; no homozygotes.

Submission:

Labcorp Genetics (formerly Invitae), Labcorp
Classification: Uncertain significance for Hereditary breast ovarian cancer syndrome. Last evaluated: 2023-11-18. Review status: criteria provided, single submitter. Criteria: Invitae Variant Classification Sherloc (09022015). Collection method: clinical testing. Allele origin: germline.
Comment: This sequence change replaces lysine, which is basic and polar, with arginine, which is basic and polar, at codon 3059 of the BRCA2 protein (p.Lys3059Arg). This variant is not present in population databases (gnomAD no frequency). This variant has not been reported in the literature in individuals affected with BRCA2-related conditions. ClinVar contains an entry for this variant (Variation ID: 1001380). Advanced modeling of protein sequence and biophysical properties (such as structural, functional, and spatial information, amino acid conservation, physicochemical variation, residue mobility, and thermodynamic stability) performed at Invitae indicates that this missense variant is not expected to disrupt BRCA2 protein function with a negative predictive value of 95%. In summary, the available evidence is currently insufficient to determine the role of this variant in disease. Therefore, it has been classified as a Variant of Uncertain Significance.